The following is an entry in ClinVar:

ClinVar aggregate classification (germline): Uncertain significance (1 of 4 stars; one submission).

Conditions:
Dystonia 28, childhood-onset (DYT28). Also called: KMT2B-Related Dystonia (DYT-KMT2B). Identifiers: Orphanet 589618, MedGen C4310633, MONDO:0015004, OMIM 617284.
Intellectual developmental disorder, autosomal dominant 68 (MRD68). Also called: MENTAL RETARDATION, AUTOSOMAL DOMINANT 68. Identifiers: MedGen C5677008, MONDO:0030969, OMIM 619934.

Allele frequency attached by ClinVar (database versions not stated): ExAC 0.00001.
gnomAD v4.1: 3 of 1,613,956 alleles (0.00019%); highest among the groups gnomAD compares: South Asian, 0.0011%; no homozygotes.

Submission:

Clinical Genomics Laboratory, Washington University in St. Louis
Classification: Uncertain significance for Intellectual developmental disorder, autosomal dominant 68; Dystonia 28, childhood-onset. Last evaluated: 2023-07-10. Review status: criteria provided, single submitter. Criteria: ACMG Guidelines, 2015. Collection method: clinical testing. Allele origin: germline.
Comment: The KMT2B c.7187C>T (p.Pro2396Leu) variant, to our knowledge, has not been reported in the medical literature and is only observed on 1/249,096 alleles in the general population (gnomAD v.2.1.1), indicating it is not a common variant. The amino acid at this position does not occur in a known functional domain and computational predictors suggest that the variant does not impact KMT2B function. Due to limited information, and based on ACMG/AMP guidelines for variant interpretation (Richards S et al., PMID: 25741868), the clinical significance of this variant is uncertain at this time.

NM_014727.3(KMT2B):c.7187C>T (p.Pro2396Leu)

Gene: KMT2B (lysine methyltransferase 2B; plus strand). Cytogenetic location: 19q13.12.
Variant type: single nucleotide variant.
Coding change: c.7187C>T on transcript NM_014727.3 (MANE Select); coding-DNA position 7187, C replaced by T.
Protein change: p.Pro2396Leu; replaces proline 2396 with leucine.
Molecular consequence: missense variant.
Genome position (GRCh38, 1-based): chr19:35,736,717, C>T. VCF-style: chr19-35736717-C-T. GRCh37 (hg19) VCF-style: chr19-36227618-C-T.
Other names: short protein forms P2396L.
Identifiers: ClinVar variation 2672098 (VCV002672098.1), dbSNP rs754166338, ClinGen allele CA9385890.